The following is an entry in ClinVar:

NM_006623.4(PHGDH):c.723C>T (p.Asp241=)

Gene: PHGDH (phosphoglycerate dehydrogenase; plus strand). Cytogenetic location: 1p12.
Variant type: single nucleotide variant.
Coding change: c.723C>T on transcript NM_006623.4 (MANE Select); coding-DNA position 723, C replaced by T.
Protein change: p.Asp241=; no amino-acid change (aspartic acid 241 retained).
Molecular consequence: synonymous variant.
Genome position (GRCh38, 1-based): chr1:119,735,374, C>T. VCF-style: chr1-119735374-C-T. GRCh37 (hg19) VCF-style: chr1-120277997-C-T.
Other names: c.723C>T (NM_006623.3).
Identifiers: ClinVar variation 1123335 (VCV001123335.10), dbSNP rs150682021, ClinGen allele CA1037229.
Genomic context (GRCh38, chr1:119,735,374, plus strand): 5'-CTTTGCCCAGTGCAAGAAGGGGGTGCGTGTGGTGAACTGTGCCCGTGGAGGGATCGTGGA[C>T]GAAGGCGCCCTGCTCCGGGCCCTGCAGTCTGGCCAGTGTGCCGGGGCTGCACTGGACGTG-3'
Protein context (NP_006614.2, residues 231-251): VVNCARGGIV[Asp241=]EGALLRALQS

ClinVar aggregate classification (germline): Likely benign. Review status: criteria provided, multiple submitters, no conflicts (2 of 4 stars). 2 submissions from 2 submitters: Likely benign (2). Last evaluated 2026-09-24.

Conditions:
PHGDH-related disorder. Also called: PHGDH-related condition.
PHGDH deficiency. Identifiers: Orphanet 79351, MedGen C1866174, MONDO:0011152, OMIM 601815.

Allele frequency attached by ClinVar (database versions not stated): ExAC 0.00003; gnomAD exomes 0.00003; gnomAD 0.00007 and 0.00009; ESP Exome Variant Server 0.00008; TOPMed 0.00009.
gnomAD v4.1: 49 of 1,614,072 alleles (0.003%); highest among the groups gnomAD compares: African/African-American, 0.036%; no homozygotes.

Submissions (2):

PreventionGenetics, part of Exact Sciences
Classification: Likely benign for PHGDH-related condition. Last evaluated: 2026-09-24. Review status: criteria provided, single submitter. Criteria: ACMG Guidelines, 2015. Collection method: clinical testing. Allele origin: germline.
Comment: This variant is classified as likely benign based on ACMG/AMP sequence variant interpretation guidelines (Richards et al. 2015 PMID: 25741868, with internal and published modifications).

Labcorp Genetics (formerly Invitae), Labcorp
Classification: Likely benign for PHGDH deficiency. Last evaluated: 2025-03-11. Review status: criteria provided, single submitter. Criteria: Invitae Variant Classification Sherloc (09022015). Collection method: clinical testing. Allele origin: germline.